The following is an entry in ClinVar:

NM_001367823.1(ARHGEF18):c.1628G>C (p.Gly543Ala)

Gene: ARHGEF18 (Rho/Rac guanine nucleotide exchange factor 18; plus strand). Cytogenetic location: 19p13.2.
Variant type: single nucleotide variant.
Coding change: c.1628G>C on transcript NM_001367823.1 (MANE Select); coding-DNA position 1628, G replaced by C.
Protein change: p.Gly543Ala; replaces glycine 543 with alanine.
Molecular consequence: missense variant.
Genome position (GRCh38, 1-based): chr19:7,447,059, G>C. VCF-style: chr19-7447059-G-C. GRCh37 (hg19) VCF-style: chr19-7511945-G-C.
Other names: c.902G>C, p.Gly301Ala (NM_001130955.2); c.590G>C, p.Gly197Ala (NM_001367824.1, NM_015318.4); short protein forms G197A, G301A, G543A.
Identifiers: ClinVar variation 2088844 (VCV002088844.4), dbSNP rs759205646, ClinGen allele CA9136535.
Genomic context (GRCh38, chr19:7,447,059, plus strand): 5'-CAGTTTTCGTGTTTAATTAACATTTCCATCCTTTTGTTTATCAGTTTTCAGGTGAAAATG[G>C]GGAGAGAATGAAAGAAAAGTACGGTGTGTTTTGTAGTGGCCACAATGAAGCTGTTAGTCA-3'
Protein context (NP_001354752.1, residues 533-553): LLVQQFSGEN[Gly543Ala]ERMKEKYGVF

ClinVar aggregate classification (germline): Uncertain significance (1 of 4 stars; one submission).

Allele frequency attached by ClinVar (database versions not stated): gnomAD exomes below 0.00001; ExAC 0.00001.
gnomAD v4.1: 3 of 1,613,250 alleles (0.00019%); highest among the groups gnomAD compares: Non-Finnish European, 0.00025%; no homozygotes.

Submission:

Labcorp Genetics (formerly Invitae), Labcorp
Classification: Uncertain significance. Last evaluated: 2022-02-23. Review status: criteria provided, single submitter. Criteria: Invitae Variant Classification Sherloc (09022015). Collection method: clinical testing. Allele origin: germline.
Comment: In summary, the available evidence is currently insufficient to determine the role of this variant in disease. Therefore, it has been classified as a Variant of Uncertain Significance. Algorithms developed to predict the effect of missense changes on protein structure and function are either unavailable or do not agree on the potential impact of this missense change (SIFT: "Deleterious"; PolyPhen-2: "Probably Damaging"; Align-GVGD: "Class C0"). This variant has not been reported in the literature in individuals affected with ARHGEF18-related conditions. This variant is present in population databases (rs759205646, gnomAD 0.0009%). This sequence change replaces glycine, which is neutral and non-polar, with alanine, which is neutral and non-polar, at codon 355 of the ARHGEF18 protein (p.Gly355Ala).